The following is an entry in ClinVar:

ClinVar aggregate classification (germline): Likely benign. Review status: criteria provided, multiple submitters, no conflicts (2 of 4 stars). 2 submissions from 2 submitters: Likely benign (2). Last evaluated 2026-09-01.

Conditions:
OTOG-related disorder. Also called: OTOG-related condition.

Allele frequency attached by ClinVar (database versions not stated): gnomAD exomes 0.00004 and 0.00022; gnomAD 0.00012 and 0.00013; TOPMed 0.00012; ExAC 0.00013; 1000 Genomes Project 30x 0.00016.
gnomAD v4.1: 80 of 1,550,194 alleles (0.0052%); highest among the groups gnomAD compares: East Asian, 0.19%; 1 homozygote.

Submissions (2):

PreventionGenetics, part of Exact Sciences
Classification: Likely benign for OTOG-related condition. Last evaluated: 2026-09-01. Review status: criteria provided, single submitter. Criteria: ACMG Guidelines, 2015. Collection method: clinical testing. Allele origin: germline.
Comment: This variant is classified as likely benign based on ACMG/AMP sequence variant interpretation guidelines (Richards et al. 2015 PMID: 25741868, with internal and published modifications).

Laboratory for Molecular Medicine, Mass General Brigham Personalized Medicine
Classification: Likely benign. Last evaluated: 2017-01-12. Review status: criteria provided, single submitter. Criteria: LMM Criteria. Collection method: clinical testing. Allele origin: germline. Observed: 1 variant allele.
Comment: p.Glu2665Glu in exon 49 of OTOG: This variant is not expected to have clinical s ignificance because it does not alter an amino acid residue and is not located w ithin the splice consensus sequence. It has been identified in 0.3% (41/11786) o f East Asian chromosomes by the Exome Aggregation Consortium (ExAC.; dbSNP rs762613093).

NM_001292063.2(OTOG):c.7959G>A (p.Glu2653=)

Gene: OTOG (otogelin; plus strand). Cytogenetic location: 11p15.1.
Variant type: single nucleotide variant.
Coding change: c.7959G>A on transcript NM_001292063.2 (MANE Select); coding-DNA position 7959, G replaced by A.
Protein change: p.Glu2653=; no amino-acid change (glutamic acid 2653 retained).
Molecular consequence: synonymous variant.
Genome position (GRCh38, 1-based): chr11:17,640,768, G>A. VCF-style: chr11-17640768-G-A. GRCh37 (hg19) VCF-style: chr11-17662315-G-A.
Other names: c.7995G>A, p.Glu2665= (NM_001277269.2).
Identifiers: ClinVar variation 517214 (VCV000517214.6), dbSNP rs762613093, ClinGen allele CA5906203.